The following is an entry in ClinVar:

NM_025150.5(TARS2):c.1094C>A (p.Ser365Ter)

Gene: TARS2 (threonyl-tRNA synthetase 2, mitochondrial; plus strand). Cytogenetic location: 1q21.2.
Variant type: single nucleotide variant.
Coding change: c.1094C>A on transcript NM_025150.5 (MANE Select); coding-DNA position 1094, C replaced by A.
Protein change: p.Ser365Ter; replaces serine 365 with a stop codon.
Molecular consequence: nonsense. On other transcripts: non-coding transcript variant (2).
Genome position (GRCh38, 1-based): chr1:150,497,603, C>A. VCF-style: chr1-150497603-C-A. GRCh37 (hg19) VCF-style: chr1-150470079-C-A.
Other names: c.848C>A, p.Ser283Ter (NM_001271895.2); c.704C>A, p.Ser235Ter (NM_001271896.2); short protein forms S365*, S235*, S283*.
Identifiers: ClinVar variation 1909592 (VCV001909592.5), dbSNP rs1560251416, ClinGen allele CA342326800.
Genomic context (GRCh38, chr1:150,497,603, plus strand): 5'-ATCGTGGTTTCTCCGAGGTGAAAACTCCCACACTGTTTTCTACGAAGCTCTGGGAACAGT[C>A]AGGGCACTGGGAGCATTATCAGGAAGACATGTTTGCCGTGCAGCCCCCAGGCTCTGACAG-3'

ClinVar aggregate classification (germline): Uncertain significance (1 of 4 stars; one submission).

Allele frequency attached by ClinVar (database versions not stated): gnomAD 0.00001.
gnomAD v4.1: 1 of 1,614,046 alleles (0.000062%); highest among the groups gnomAD compares: Non-Finnish European, 0.000085%; no homozygotes.

Submission:

Labcorp Genetics (formerly Invitae), Labcorp
Classification: Uncertain significance. Last evaluated: 2022-09-12. Review status: criteria provided, single submitter. Criteria: Invitae Variant Classification Sherloc (09022015). Collection method: clinical testing. Allele origin: germline.
Comment: This sequence change creates a premature translational stop signal (p.Ser365*) in the TARS2 gene. It is expected to result in an absent or disrupted protein product. However, the current clinical and genetic evidence is not sufficient to establish whether loss-of-function variants in TARS2 cause disease. This variant is present in population databases (no rsID available, gnomAD 0.0009%). This variant has not been reported in the literature in individuals affected with TARS2-related conditions. In summary, the available evidence is currently insufficient to determine the role of this variant in disease. Therefore, it has been classified as a Variant of Uncertain Significance.